The following is an entry in ClinVar:

NM_001943.5(DSG2):c.2075A>C (p.Lys692Thr)

Genes: DSG2 (desmoglein 2; plus strand), DSG2-AS1 (DSG2 antisense RNA 1; minus strand). Cytogenetic location: 18q12.1.
Variant type: single nucleotide variant.
Coding change: c.2075A>C on transcript NM_001943.5 (MANE Select); coding-DNA position 2075, A replaced by C.
Protein change: p.Lys692Thr; replaces lysine 692 with threonine.
Molecular consequence: missense variant.
Genome position (GRCh38, 1-based): chr18:31,542,593, A>C. VCF-style: chr18-31542593-A-C. GRCh37 (hg19) VCF-style: chr18-29122556-A-C.
Other names: short protein forms K692T.
Identifiers: ClinVar variation 2906632 (VCV002906632.3), dbSNP rs2073275317, ClinGen allele CA402141463.
Genomic context (GRCh38, chr18:31,542,593, plus strand): 5'-TTCTGCCAGTGGATCAAGGGGGCAGTCTAGTAGGAAGAAATGGAGTAGGAGGTATGGCCA[A>C]GGAAGCCACGATGAAAGGAAGTAGCTCTGCTTCCATTGTCAAAGGGCAACATGAGATGTC-3'
Protein context (NP_001934.2, residues 682-702): VGRNGVGGMA[Lys692Thr]EATMKGSSSA

ClinVar aggregate classification (germline): Uncertain significance (1 of 4 stars; one submission).

Conditions:
Arrhythmogenic right ventricular dysplasia 10. Also called: Arrhythmogenic right ventricular dysplasia/cardiomyopathy, type 10; Arrhythmogenic Right Ventricular Dysplasia/Cardiomyopathy10; ARRHYTHMOGENIC RIGHT VENTRICULAR DYSPLASIA, FAMILIAL, 10. Identifiers: MedGen C1857777, MONDO:0012434, OMIM 610193.

Allele frequency attached by ClinVar (database versions not stated): gnomAD exomes below 0.00001; TOPMed below 0.00001.
gnomAD v4.1: 1 of 1,614,176 alleles (0.000062%); highest among the groups gnomAD compares: Non-Finnish European, 0.000085%; no homozygotes.

Submission:

Labcorp Genetics (formerly Invitae), Labcorp
Classification: Uncertain significance for Arrhythmogenic right ventricular dysplasia 10. Last evaluated: 2024-07-19. Review status: criteria provided, single submitter. Criteria: Invitae Variant Classification Sherloc (09022015). Collection method: clinical testing. Allele origin: germline.
Comment: This sequence change replaces lysine, which is basic and polar, with threonine, which is neutral and polar, at codon 692 of the DSG2 protein (p.Lys692Thr). This variant is not present in population databases (gnomAD no frequency). This variant has not been reported in the literature in individuals affected with DSG2-related conditions. Advanced modeling of protein sequence and biophysical properties (such as structural, functional, and spatial information, amino acid conservation, physicochemical variation, residue mobility, and thermodynamic stability) performed at Invitae indicates that this missense variant is not expected to disrupt DSG2 protein function with a negative predictive value of 95%. In summary, the available evidence is currently insufficient to determine the role of this variant in disease. Therefore, it has been classified as a Variant of Uncertain Significance.